The following is an entry in ClinVar:

GRCh37/hg19 11p13(chr11:31794997-31822354)x1

Genes: ELP4 (elongator acetyltransferase complex subunit 4; plus strand), PAX6 (paired box 6; minus strand). Cytogenetic location: 11p13.
Variant type: copy number loss.
Change: copy number 1 (one copy instead of two) of chr11:31,794,997-31,822,354 (27.4 kb, GRCh37 coordinates, 1-based), cytogenetic band 11p13.
Identifiers: ClinVar variation 1808645 (VCV001808645.1).

ClinVar aggregate classification (germline): Pathogenic (1 of 4 stars; one submission).

Submission:

Quest Diagnostics Nichols Institute San Juan Capistrano
Classification: Pathogenic. Last evaluated: 2022-04-26. Review status: criteria provided, single submitter. Criteria: ACMG/ClinGen CNV Guidelines, 2019. Collection method: clinical testing. Allele origin: unknown.
Comment: This copy number loss of 11p13 involves the final exon (NM_019040.5) of the 3' portion of ELP4 (OMIM 606985) and multiple exons (NM_000280.5) of the 3' portion of PAX6 (OMIM 607108), and is expected to cause phenotypic abnormalities. Heterozygous loss-of-function variants as well as hemizygous partial and full deletions of PAX6 are associated with numerous autosomal dominant disorders, including aniridia (OMIM 106210), anterior segment dysgenesis 5 (OMIM 604229), cataract with late-onset corneal dystrophy (OMIM 106210), foveal hypoplasia 1 (OMIM 136520), keratitis (OMIM 148190), and optic nerve hypoplasia (OMIM 165550). In addition, there are no similar copy number losses of this region in the general populations of the Database of Genomic Variants. Thus, the clinical significance of this copy number variant (CNV) is pathogenic.